The following is an entry in ClinVar:

NM_000059.4(BRCA2):c.4151del (p.Leu1384fs)

Gene: BRCA2 (BRCA2 DNA repair associated; plus strand). Cytogenetic location: 13q13.1.
Variant type: Deletion.
Coding change: c.4151del on transcript NM_000059.4 (MANE Select); coding-DNA position 4151, one base deleted (T; older notation c.4151delT).
Protein change: p.Leu1384fs; shifts the reading frame from leucine 1384.
Molecular consequence: frameshift variant.
Genome position (GRCh38, 1-based): chr13:32,338,506, T deleted; the last of 3 consecutive T bases (chr13:32,338,504-32,338,506); deleting any one gives the same sequence. VCF-style (leftmost placement, unchanged base first): chr13-32338503-AT-A. GRCh37 (hg19) VCF-style: chr13-32912640-AT-A.
Other names: c.4151delT (NM_000059.3).
Identifiers: ClinVar variation 51606 (VCV000051606.16), dbSNP rs397507710, ClinGen allele CA019620.

ClinVar aggregate classification (germline): Pathogenic. Review status: reviewed by expert panel (3 of 4 stars). 3 submissions from 3 submitters: Pathogenic (1). 2 of the submissions do not count toward it. Last evaluated 2017-12-15.

Conditions:
Hereditary breast ovarian cancer syndrome. Also called: Hereditary breast and ovarian cancer syndrome; Hereditary breast and ovarian cancer; Hereditary breast and ovarian cancer syndrome (HBOC); Breast and ovarian cancer; Hereditary breast and/or ovarian cancer syndrome; BRCA1- and BRCA2-Associated Hereditary Breast and Ovarian Cancer. Identifiers: Orphanet 145, MedGen C0677776, MeSH D061325, MONDO:0003582. Disease mechanism: loss of function.
Breast-ovarian cancer, familial, susceptibility to, 2 (BROVCA2). Also called: BRCA2 Hereditary Breast and Ovarian Cancer. Identifiers: Orphanet 145, MedGen C2675520, MONDO:0012933, OMIM 612555. Disease mechanism: loss of function.
Breast neoplasm. Also called: Neoplasm of breast; Breast tumor; Neoplasm of the breast; Breast Neoplasms. Identifiers: MedGen C1458155, MeSH D001943, MONDO:0021100, HP:0100013. Disease mechanism: gain of function.

Submissions (3):

Evidence-based Network for the Interpretation of Germline Mutant Alleles (ENIGMA)
Classification: Pathogenic for Breast-ovarian cancer, familial, susceptibility to, 2. Last evaluated: 2017-12-15. Review status: reviewed by expert panel. Criteria: ENIGMA BRCA1/2 Classification Criteria (2017-06-29). Collection method: curation. Allele origin: germline. Study: ENIGMA.
Comment: Variant allele predicted to encode a truncated non-functional protein.

Labcorp Genetics (formerly Invitae), Labcorp
Classification: Pathogenic for Hereditary breast ovarian cancer syndrome. Last evaluated: 2020-09-15. Review status: criteria provided, single submitter. Criteria: Invitae Variant Classification Sherloc (09022015). Collection method: clinical testing. Allele origin: germline. Not counted in ClinVar's aggregate classification.
Comment: For these reasons, this variant has been classified as Pathogenic. Loss-of-function variants in BRCA2 are known to be pathogenic (PMID: 20104584). This variant has been observed in individual(s) with personal or family history of breast and/or ovarian cancer (PMID: 18006916, 30702160). This variant is also known as 4379delT in the literature. ClinVar contains an entry for this variant (Variation ID: 51606). This variant is not present in population databases (ExAC no frequency). This sequence change creates a premature translational stop signal (p.Leu1384Cysfs*4) in the BRCA2 gene. It is expected to result in an absent or disrupted protein product.

Laboratory of Molecular Diagnosis of Cancer, West China Hospital, Sichuan University
Classification: Pathogenic for Breast neoplasm. Last evaluated: 2015-11-01. Review status: criteria provided, single submitter. Criteria: ACMG Guidelines, 2015. Collection method: research. Allele origin: germline. Affected: yes. Observed: 1 variant allele. Not counted in ClinVar's aggregate classification.

Literature cited by the submitters: PubMed 20104584 (cited by Labcorp Genetics (formerly Invitae), Labcorp); PubMed 18006916 (cited by Labcorp Genetics (formerly Invitae), Labcorp); PubMed 30702160 (cited by Labcorp Genetics (formerly Invitae), Labcorp); PubMed 27257965 (cited by Laboratory of Molecular Diagnosis of Cancer, West China Hospital, Sichuan University).